The following is an entry in ClinVar:

ClinVar aggregate classification (germline): Likely benign. Review status: criteria provided, multiple submitters, no conflicts (2 of 4 stars). 4 submissions from 4 submitters: Likely benign (4). Last evaluated 2026-07-01.

Conditions:
Familial thoracic aortic aneurysm and aortic dissection (TAAD). Also called: Thoracic aortic aneurysms and dissections. Identifiers: Orphanet 91387, MedGen C4707243, MONDO:0019625.

Allele frequency attached by ClinVar (database versions not stated): TOPMed 0.00002; gnomAD 0.00003.
gnomAD v4.1: 8 of 991,880 alleles (0.00081%); highest among the groups gnomAD compares: Non-Finnish European, 0.00096%; no homozygotes.

Submissions (4):

CeGaT Center for Human Genetics Tuebingen
Classification: Likely benign. Last evaluated: 2026-07-01. Review status: criteria provided, single submitter. Criteria: CeGaT Center For Human Genetics Tuebingen Variant Classification Criteria Version 2. Collection method: clinical testing. Allele origin: germline. Affected: yes. Observed: 1 variant allele.
Comment: TGFBR1: BP4, BP7

Labcorp Genetics (formerly Invitae), Labcorp
Classification: Likely benign for Familial thoracic aortic aneurysm and aortic dissection. Last evaluated: 2025-11-01. Review status: criteria provided, single submitter. Criteria: Invitae Variant Classification Sherloc (09022015). Collection method: clinical testing. Allele origin: germline.

Blueprint Genetics
Classification: Likely benign. Last evaluated: 2024-10-15. Review status: criteria provided, single submitter. Criteria: ACMG Guidelines, 2015. Collection method: clinical testing. Allele origin: germline.

Ambry Genetics
Classification: Likely benign for Familial thoracic aortic aneurysm and aortic dissection. Last evaluated: 2022-03-04. Review status: criteria provided, single submitter. Criteria: Ambry Variant Classification Scheme 2023. Collection method: clinical testing. Allele origin: germline.

NM_004612.4(TGFBR1):c.87G>C (p.Pro29=)

Gene: TGFBR1 (transforming growth factor beta receptor 1; plus strand). Cytogenetic location: 9q22.33.
Variant type: single nucleotide variant.
Coding change: c.87G>C on transcript NM_004612.4 (MANE Select); coding-DNA position 87, G replaced by C.
Protein change: p.Pro29=; no amino-acid change (proline 29 retained).
Molecular consequence: synonymous variant.
Genome position (GRCh38, 1-based): chr9:99,105,292, G>C. VCF-style: chr9-99105292-G-C. GRCh37 (hg19) VCF-style: chr9-101867574-G-C.
Other names: c.87G>C, p.Pro29= (NM_001130916.3, NM_001306210.2).
Identifiers: ClinVar variation 543911 (VCV000543911.16), dbSNP rs1246631676, ClinGen allele CA466433413.